The following is an entry in ClinVar:

NM_001035.3(RYR2):c.12236A>G (p.Asp4079Gly)

Gene: RYR2 (ryanodine receptor 2; plus strand). Cytogenetic location: 1q43.
Variant type: single nucleotide variant.
Coding change: c.12236A>G on transcript NM_001035.3 (MANE Select); coding-DNA position 12236, A replaced by G.
Protein change: p.Asp4079Gly; replaces aspartic acid 4079 with glycine.
Molecular consequence: missense variant.
Genome position (GRCh38, 1-based): chr1:237,783,948, A>G. VCF-style: chr1-237783948-A-G. GRCh37 (hg19) VCF-style: chr1-237947248-A-G.
Other names: short protein forms D4079G.
Identifiers: ClinVar variation 3073085 (VCV003073085.1), dbSNP rs772531906, ClinGen allele CA085154.

ClinVar aggregate classification (germline): Uncertain significance (1 of 4 stars; one submission).

Conditions:
Catecholaminergic polymorphic ventricular tachycardia (CVPT). Also called: Catecholamine-induced polymorphic ventricular tachycardia. Identifiers: Orphanet 3286, MedGen C5574922, MONDO:0017990.

Allele frequency attached by ClinVar (database versions not stated): ExAC 0.00001.
gnomAD v4.1: 2 of 1,613,672 alleles (0.00012%); no homozygotes.

Submission:

All of Us Research Program, National Institutes of Health
Classification: Uncertain significance for Catecholaminergic polymorphic ventricular tachycardia. Last evaluated: 2023-11-30. Review status: criteria provided, single submitter. Criteria: ACMG Guidelines, 2015. Collection method: clinical testing. Allele origin: germline. Inheritance: Autosomal dominant inheritance. Observed: 1 variant allele, 1 heterozygote.
Comment: This study involves interpretation of variants in research participants for the purpose of population health screening. Participant phenotype was not available at the time of variant classification. Additional details can be found in publication PMID: 35346344, PMCID: PMC8962531